The following is an entry in ClinVar:

ClinVar aggregate classification (germline): Uncertain significance (1 of 4 stars; one submission).

Conditions:
PEX2-related disorder. Also called: PEX2-related condition.

Submission:

PreventionGenetics, part of Exact Sciences
Classification: Uncertain significance for PEX2-related condition. Last evaluated: 2024-12-18. Review status: criteria provided, single submitter. Criteria: ACMG Guidelines, 2015. Collection method: clinical testing. Allele origin: germline.
Comment: The PEX2 c.92A>G variant is predicted to result in the amino acid substitution p.Gln31Arg. To our knowledge, this variant has not been reported in the literature or in a large population database (gnomAD), indicating this variant is rare. At this time, the clinical significance of this variant is uncertain due to the absence of conclusive functional and genetic evidence.

NM_000318.3(PEX2):c.92A>G (p.Gln31Arg)

Gene: PEX2 (peroxisomal biogenesis factor 2; minus strand). Cytogenetic location: 8q21.13.
Variant type: single nucleotide variant.
Coding change: c.92A>G on transcript NM_000318.3 (MANE Select); coding-DNA position 92, A replaced by G.
Protein change: p.Gln31Arg; replaces glutamine 31 with arginine.
Molecular consequence: missense variant.
Genome position (GRCh38, 1-based): chr8:76,984,087, T>C on the plus strand (A>G on the coding strand, the complement: PEX2 is on the minus strand). VCF-style: chr8-76984087-T-C. GRCh37 (hg19) VCF-style: chr8-77896323-T-C.
Other names: c.92A>G, p.Gln31Arg (NM_001079867.2, NM_001172086.2, NM_001172087.2); short protein forms Q31R.
Identifiers: ClinVar variation 5001606 (VCV005001606.1).